The following is an entry in ClinVar:

NM_006361.6(HOXB13):c.33A>G (p.Gly11=)

Gene: HOXB13 (homeobox B13; minus strand). Cytogenetic location: 17q21.32.
Variant type: single nucleotide variant.
Coding change: c.33A>G on transcript NM_006361.6 (MANE Select); coding-DNA position 33, A replaced by G.
Protein change: p.Gly11=; no amino-acid change (glycine 11 retained).
Molecular consequence: synonymous variant.
Genome position (GRCh38, 1-based): chr17:48,728,561, T>C on the plus strand (A>G on the coding strand, the complement: HOXB13 is on the minus strand). VCF-style: chr17-48728561-T-C. GRCh37 (hg19) VCF-style: chr17-46805923-T-C.
Identifiers: ClinVar variation 3772995 (VCV003772995.2).

ClinVar aggregate classification (germline): Benign/Likely benign. Review status: criteria provided, multiple submitters, no conflicts (2 of 4 stars). 2 submissions from 2 submitters: Benign (1); Likely benign (1). Last evaluated 2026-06-28.

Conditions:
Prostate cancer, hereditary, 9 (HPC9). Identifiers: Orphanet 1331, MedGen C1970250, MONDO:0012597, OMIM 610997.
Hereditary cancer-predisposing syndrome. Also called: Tumor predisposition; Hereditary neoplastic syndrome; Hereditary Cancer Syndrome; Neoplastic Syndromes, Hereditary. Identifiers: Orphanet 140162, MedGen C0027672, MeSH D009386, MONDO:0015356.

Submissions (2):

Ambry Genetics
Classification: Likely benign for Hereditary cancer-predisposing syndrome. Last evaluated: 2026-06-28. Review status: criteria provided, single submitter. Criteria: Ambry Variant Classification Scheme 2023. Collection method: clinical testing. Allele origin: germline.

Myriad Genetics, Inc.
Classification: Benign for Prostate cancer, hereditary, 9. Last evaluated: 2024-10-28. Review status: criteria provided, single submitter. Criteria: Myriad Autosomal Dominant, Autosomal Recessive and X-Linked Classification Criteria (2023). Collection method: clinical testing. Allele origin: unknown.
Comment: This variant is considered benign. This variant is a silent/synonymous amino acid change and it is not expected to impact splicing.